The following is an entry in ClinVar:

NM_004225.3(MFHAS1):c.1014C>T (p.Ile338=)

Gene: MFHAS1 (multifunctional ROCO family signaling regulator 1). Cytogenetic location: 8p23.1.
Variant type: single nucleotide variant.
Coding change: c.1014C>T on transcript NM_004225.3 (MANE Select); coding-DNA position 1014, C replaced by T.
Protein change: p.Ile338=; no amino-acid change (isoleucine 338 retained).
Molecular consequence: synonymous variant.
Genome position (GRCh38, 1-based): chr8:8,892,045, G>A on the plus strand (C>T on the coding strand, the complement: MFHAS1 is on the minus strand). VCF-style: chr8-8892045-G-A. GRCh37 (hg19) VCF-style: chr8-8749555-G-A.
Identifiers: ClinVar variation 3034595 (VCV003034595.2), dbSNP rs375992541, ClinGen allele CA4619363.

ClinVar aggregate classification (germline): Likely benign (0 of 4 stars; one submission).

Conditions:
MFHAS1-related disorder. Also called: MFHAS1-related condition.

Allele frequency attached by ClinVar (database versions not stated): TOPMed 0.00003; ESP Exome Variant Server 0.00008.
gnomAD v4.1: 66 of 1,613,334 alleles (0.0041%); highest among the groups gnomAD compares: Middle Eastern, 0.099%; no homozygotes.

Submission:

PreventionGenetics, part of Exact Sciences
Classification: Likely benign for MFHAS1-related condition. Last evaluated: 2019-08-12. Review status: no assertion criteria provided. Collection method: clinical testing. Allele origin: germline.
Comment: This variant is classified as likely benign based on ACMG/AMP sequence variant interpretation guidelines (Richards et al. 2015 PMID: 25741868, with internal and published modifications).